The following is an entry in ClinVar:

ClinVar aggregate classification (germline): Uncertain significance (1 of 4 stars; one submission).

Submission:

Labcorp Genetics (formerly Invitae), Labcorp
Classification: Uncertain significance. Last evaluated: 2022-02-08. Review status: criteria provided, single submitter. Criteria: Invitae Variant Classification Sherloc (09022015). Collection method: clinical testing. Allele origin: germline.
Comment: In summary, the available evidence is currently insufficient to determine the role of this variant in disease. Therefore, it has been classified as a Variant of Uncertain Significance. Advanced modeling of protein sequence and biophysical properties (such as structural, functional, and spatial information, amino acid conservation, physicochemical variation, residue mobility, and thermodynamic stability) performed at Invitae indicates that this missense variant is expected to disrupt PNPT1 protein function. This variant has not been reported in the literature in individuals affected with PNPT1-related conditions. This variant is not present in population databases (gnomAD no frequency). This sequence change replaces alanine, which is neutral and non-polar, with threonine, which is neutral and polar, at codon 548 of the PNPT1 protein (p.Ala548Thr).

NM_033109.5(PNPT1):c.1642G>A (p.Ala548Thr)

Gene: PNPT1 (polyribonucleotide nucleotidyltransferase 1; minus strand). Cytogenetic location: 2p16.1.
Variant type: single nucleotide variant.
Coding change: c.1642G>A on transcript NM_033109.5 (MANE Select); coding-DNA position 1642, G replaced by A.
Protein change: p.Ala548Thr; replaces alanine 548 with threonine.
Molecular consequence: missense variant.
Genome position (GRCh38, 1-based): chr2:55,646,447, C>T on the plus strand (G>A on the coding strand, the complement: PNPT1 is on the minus strand). VCF-style: chr2-55646447-C-T. GRCh37 (hg19) VCF-style: chr2-55873582-C-T.
Other names: short protein forms A548T.
Identifiers: ClinVar variation 2095072 (VCV002095072.4), dbSNP rs2529487775, ClinGen allele CA346925624.